The following is an entry in ClinVar:

ClinVar aggregate classification (germline): Uncertain significance (1 of 4 stars; one submission).

Submission:

CeGaT Center for Human Genetics Tuebingen
Classification: Uncertain significance. Last evaluated: 2024-11-01. Review status: criteria provided, single submitter. Criteria: CeGaT Center For Human Genetics Tuebingen Variant Classification Criteria Version 2. Collection method: clinical testing. Allele origin: germline. Affected: yes. Observed: 1 variant allele.
Comment: HDAC8: PM2:Supporting, BP4

NM_018486.3(HDAC8):c.993C>T (p.Ile331=)

Gene: HDAC8 (histone deacetylase 8; minus strand). Cytogenetic location: Xq13.1.
Variant type: single nucleotide variant.
Coding change: c.993C>T on transcript NM_018486.3 (MANE Select); coding-DNA position 993, C replaced by T.
Protein change: p.Ile331=; no amino-acid change (isoleucine 331 retained).
Molecular consequence: synonymous variant. On other transcripts: 3 prime UTR variant (1), non-coding transcript variant (1).
Genome position (GRCh38, 1-based): chrX:72,462,016, G>A on the plus strand (C>T on the coding strand, the complement: HDAC8 is on the minus strand). VCF-style: chrX-72462016-G-A. GRCh37 (hg19) VCF-style: chrX-71681866-G-A.
Other names: c.720C>T, p.Ile240= (NM_001166418.2, NM_001410728.1); c.993C>T, p.Ile331= (NM_001410725.1); c.915C>T, p.Ile305= (NM_001410727.1); c.*73C>T (NM_001410729.1).
Identifiers: ClinVar variation 3390170 (VCV003390170.14).